The following is an entry in ClinVar:

ClinVar aggregate classification (germline): Likely pathogenic (1 of 4 stars; one submission).

Conditions:
Hereditary cancer-predisposing syndrome. Also called: Hereditary Cancer Syndrome; Neoplastic Syndromes, Hereditary; Hereditary neoplastic syndrome; Tumor predisposition. Identifiers: Orphanet 140162, MedGen C0027672, MeSH D009386, MONDO:0015356.

Submission:

Ambry Genetics
Classification: Likely pathogenic for Hereditary cancer-predisposing syndrome. Last evaluated: 2013-07-22. Review status: criteria provided, single submitter. Criteria: Ambry Autosomal Dominant and X-Linked criteria (10/2015). Collection method: clinical testing. Allele origin: germline. Observed: 1 variant allele.
Comment: Alterations that disrupt the canonical splice site are expected to cause aberrant splicing, resulting in an abnormal protein or a transcript that is subject to nonsense-mediated mRNA decay. As such, this alteration is classified as likely pathogenic.

NM_000264.5(PTCH1):c.201+1G>A

Gene: PTCH1 (patched 1; minus strand). Cytogenetic location: 9q22.32.
Variant type: single nucleotide variant.
Coding change: c.201+1G>A on transcript NM_000264.5 (MANE Select); the canonical splice donor site of the intron after coding-DNA position 201, G replaced by A.
Molecular consequence: splice donor variant. On other transcripts: intron variant (3).
Genome position (GRCh38, 1-based): chr9:95,508,160, C>T on the plus strand (G>A on the coding strand, the complement: PTCH1 is on the minus strand). VCF-style: chr9-95508160-C-T. GRCh37 (hg19) VCF-style: chr9-98270442-C-T.
Other names: c.199-1561G>A (NM_001083603.3); c.4-1561G>A (NM_001083602.3, NM_001354919.2); c.201+1G>A (NM_001354918.2).
Identifiers: ClinVar variation 428815 (VCV000428815.3), dbSNP rs1131690967, ClinGen allele CA374121236.